The following is an entry in ClinVar:

ClinVar aggregate classification (germline): Uncertain significance. Review status: criteria provided, multiple submitters, no conflicts (2 of 4 stars). 2 submissions from 2 submitters: Uncertain significance (2). Last evaluated 2025-11-02.

Conditions:
Inborn genetic diseases. Identifiers: MedGen C0950123, MeSH D030342.

Allele frequency attached by ClinVar (database versions not stated): gnomAD 0.00001; ExAC 0.00002.
gnomAD v4.1: 8 of 1,375,046 alleles (0.00058%); highest among the groups gnomAD compares: Admixed American, 0.0023%; no homozygotes.

Submissions (2):

Labcorp Genetics (formerly Invitae), Labcorp
Classification: Uncertain significance. Last evaluated: 2025-11-02. Review status: criteria provided, single submitter. Criteria: Invitae Variant Classification Sherloc (09022015). Collection method: clinical testing. Allele origin: germline.
Comment: This sequence change replaces valine, which is neutral and non-polar, with leucine, which is neutral and non-polar, at codon 41 of the DEAF1 protein (p.Val41Leu). The frequency data for this variant in the population databases is considered unreliable, as metrics indicate poor data quality at this position in the gnomAD database. This variant has not been reported in the literature in individuals affected with DEAF1-related conditions. ClinVar contains an entry for this variant (Variation ID: 1522666). Invitae Evidence Modeling of protein sequence and biophysical properties (such as structural, functional, and spatial information, amino acid conservation, physicochemical variation, residue mobility, and thermodynamic stability) indicates that this missense variant is not expected to disrupt DEAF1 protein function with a negative predictive value of 80%. In summary, the available evidence is currently insufficient to determine the role of this variant in disease. Therefore, it has been classified as a Variant of Uncertain Significance.

Ambry Genetics
Classification: Uncertain significance for Inborn genetic diseases. Last evaluated: 2021-01-07. Review status: criteria provided, single submitter. Criteria: Ambry Variant Classification Scheme 2023. Collection method: clinical testing. Allele origin: germline.

NM_021008.4(DEAF1):c.121G>T (p.Val41Leu)

Gene: DEAF1 (DEAF1 transcription factor; minus strand). Cytogenetic location: 11p15.5.
Variant type: single nucleotide variant.
Coding change: c.121G>T on transcript NM_021008.4 (MANE Select); coding-DNA position 121, G replaced by T.
Protein change: p.Val41Leu; replaces valine 41 with leucine.
Molecular consequence: missense variant. On other transcripts: intron variant (1).
Genome position (GRCh38, 1-based): chr11:694,927, C>A on the plus strand (G>T on the coding strand, the complement: DEAF1 is on the minus strand). VCF-style: chr11-694927-C-A. GRCh37 (hg19) VCF-style: chr11-694927-C-A.
Other names: c.121G>T, p.Val41Leu (NM_001293634.2); c.-437-3329G>T (NM_001367390.1); short protein forms V41L.
Identifiers: ClinVar variation 1522666 (VCV001522666.7), dbSNP rs778141911, ClinGen allele CA5786648.